The following is an entry in ClinVar:

NM_030665.4(RAI1):c.3619A>G (p.Lys1207Glu)

Gene: RAI1 (retinoic acid induced 1; plus strand). Cytogenetic location: 17p11.2.
Variant type: single nucleotide variant.
Coding change: c.3619A>G on transcript NM_030665.4 (MANE Select); coding-DNA position 3619, A replaced by G.
Protein change: p.Lys1207Glu; replaces lysine 1207 with glutamic acid.
Molecular consequence: missense variant.
Genome position (GRCh38, 1-based): chr17:17,796,567, A>G. VCF-style: chr17-17796567-A-G. GRCh37 (hg19) VCF-style: chr17-17699881-A-G.
Other names: short protein forms K1207E.
Identifiers: ClinVar variation 4736835 (VCV004736835.1).
Genomic context (GRCh38, chr17:17,796,567, plus strand): 5'-TTCAAGGTCTCCAGCAGCCCCCAGAAGGAGGGCAGGGTGAGCCAGCGGGCAAGGGTCCCC[A>G]AACCTGGTGCAGGCAGCAAGCTCTCTGACCGGCCCCTCCATGCGCTCAAAAGGAAGTCGG-3'
Protein context (NP_109590.3, residues 1197-1217): GRVSQRARVP[Lys1207Glu]PGAGSKLSDR

ClinVar aggregate classification (germline): Uncertain significance (1 of 4 stars; one submission).

gnomAD v4.1: 6 of 1,611,456 alleles (0.00037%); no homozygotes.

Submission:

Labcorp Genetics (formerly Invitae), Labcorp
Classification: Uncertain significance. Last evaluated: 2025-03-30. Review status: criteria provided, single submitter. Criteria: Invitae Variant Classification Sherloc (09022015). Collection method: clinical testing. Allele origin: germline.
Comment: This sequence change replaces lysine, which is basic and polar, with glutamic acid, which is acidic and polar, at codon 1207 of the RAI1 protein (p.Lys1207Glu). This variant is present in population databases (rs763228754, gnomAD 0.01%). This variant has not been reported in the literature in individuals affected with RAI1-related conditions. Invitae Evidence Modeling of protein sequence and biophysical properties (such as structural, functional, and spatial information, amino acid conservation, physicochemical variation, residue mobility, and thermodynamic stability) indicates that this missense variant is not expected to disrupt RAI1 protein function with a negative predictive value of 80%. In summary, the available evidence is currently insufficient to determine the role of this variant in disease. Therefore, it has been classified as a Variant of Uncertain Significance.